The following is an entry in ClinVar:

ClinVar aggregate classification (germline): Uncertain significance (1 of 4 stars; one submission).

Conditions:
Aortic aneurysm, familial thoracic 7 (AAT7). Also called: AORTIC DISSECTION, FAMILIAL, WITH OR WITHOUT AORTIC ANEURYSM. Identifiers: MedGen C3151077, MONDO:0013418, OMIM 613780.

gnomAD v4.1: 7 of 1,613,678 alleles (0.00043%); highest among the groups gnomAD compares: African/African-American, 0.0013%; no homozygotes.

Submission:

Labcorp Genetics (formerly Invitae), Labcorp
Classification: Uncertain significance for Aortic aneurysm, familial thoracic 7. Last evaluated: 2025-02-23. Review status: criteria provided, single submitter. Criteria: Invitae Variant Classification Sherloc (09022015). Collection method: clinical testing. Allele origin: germline.
Comment: This sequence change replaces valine, which is neutral and non-polar, with methionine, which is neutral and non-polar, at codon 971 of the MYLK protein (p.Val971Met). This variant is not present in population databases (gnomAD no frequency). This variant has not been reported in the literature in individuals affected with MYLK-related conditions. ClinVar contains an entry for this variant (Variation ID: 659349). Invitae Evidence Modeling of protein sequence and biophysical properties (such as structural, functional, and spatial information, amino acid conservation, physicochemical variation, residue mobility, and thermodynamic stability) indicates that this missense variant is not expected to disrupt MYLK protein function with a negative predictive value of 80%. In summary, the available evidence is currently insufficient to determine the role of this variant in disease. Therefore, it has been classified as a Variant of Uncertain Significance.

NM_053025.4(MYLK):c.2911G>A (p.Val971Met)

Gene: MYLK (myosin light chain kinase; minus strand). Cytogenetic location: 3q21.1.
Variant type: single nucleotide variant.
Coding change: c.2911G>A on transcript NM_053025.4 (MANE Select); coding-DNA position 2911, G replaced by A.
Protein change: p.Val971Met; replaces valine 971 with methionine.
Molecular consequence: missense variant.
Genome position (GRCh38, 1-based): chr3:123,700,557, C>T on the plus strand (G>A on the coding strand, the complement: MYLK is on the minus strand). VCF-style: chr3-123700557-C-T. GRCh37 (hg19) VCF-style: chr3-123419404-C-T.
Other names: c.2383G>A, p.Val795Met (NM_001321309.2); c.2704G>A, p.Val902Met (NM_053026.4, NM_053028.4); c.2911G>A, p.Val971Met (NM_053027.4); short protein forms V902M, V795M, V971M.
Identifiers: ClinVar variation 659349 (VCV000659349.5), dbSNP rs1199429329, ClinGen allele CA354230753.